The following is an entry in ClinVar:

NM_000135.4(FANCA):c.2529C>A (p.Tyr843Ter)

Gene: FANCA (FA complementation group A; minus strand). Cytogenetic location: 16q24.3.
Variant type: single nucleotide variant.
Coding change: c.2529C>A on transcript NM_000135.4 (MANE Select); coding-DNA position 2529, C replaced by A.
Protein change: p.Tyr843Ter; replaces tyrosine 843 with a stop codon.
Molecular consequence: nonsense.
Genome position (GRCh38, 1-based): chr16:89,767,213, G>T on the plus strand (C>A on the coding strand, the complement: FANCA is on the minus strand). VCF-style: chr16-89767213-G-T. GRCh37 (hg19) VCF-style: chr16-89833621-G-T.
Other names: c.2529C>A (NM_000135.3, LRG_495t1); c.2529C>A, p.Tyr843Ter (NM_001286167.3); short protein forms Y843*.
Identifiers: ClinVar variation 556394 (VCV000556394.15), dbSNP rs1247378731, ClinGen allele CA397440787.

ClinVar aggregate classification (germline): Pathogenic/Likely pathogenic. Review status: criteria provided, multiple submitters, no conflicts (2 of 4 stars). 6 submissions from 6 submitters: Pathogenic (3); Likely pathogenic (1). 2 of the submissions do not count toward it. Last evaluated 2025-11-04.

Conditions:
Fanconi anemia (FA). Also called: Fanconi's anemia. Identifiers: Orphanet 84, MedGen C0015625, MeSH D005199, MONDO:0019391.
Fanconi anemia complementation group A (FANCA). Also called: Fanconi anemia, group A; FANCA-Related Fanconi Anemia. Identifiers: Orphanet 84, MedGen C3469521, MONDO:0009215, OMIM 227650.

Allele frequency attached by ClinVar (database versions not stated): TOPMed 0.00001.
gnomAD v4.1: 1 of 1,613,000 alleles (0.000062%); highest among the groups gnomAD compares: Admixed American, 0.0017%; no homozygotes.

Submissions (6):

Labcorp Genetics (formerly Invitae), Labcorp
Classification: Pathogenic for Fanconi anemia. Last evaluated: 2025-11-04. Review status: criteria provided, single submitter. Criteria: Invitae Variant Classification Sherloc (09022015). Collection method: clinical testing. Allele origin: germline.
Comment: This sequence change creates a premature translational stop signal (p.Tyr843*) in the FANCA gene. It is expected to result in an absent or disrupted protein product. Loss-of-function variants in FANCA are known to be pathogenic (PMID: 19367192). The frequency data for this variant in the population databases is considered unreliable, as metrics indicate poor data quality at this position in the gnomAD database. This premature translational stop signal has been observed in individual(s) with Fanconi anemia (PMID: 15643609, 16084127). ClinVar contains an entry for this variant (Variation ID: 556394). For these reasons, this variant has been classified as Pathogenic.

Natera, Inc.
Classification: Likely pathogenic for Fanconi anemia. Last evaluated: 2024-12-12. Review status: criteria provided, single submitter. Criteria: Natera Variant Classification Schema (03/2026). Collection method: clinical testing. Allele origin: germline.
Comment: The c.2529C>A variant in FANCA is a nonsense variant predicted to introduce a stop codon at amino acid 843. This variant is expected to result in nonsense mediated decay, truncation, or a dysfunctional protein product. This variant is rare in the general population with a frequency below the threshold expected for the associated phenotype(s). Given the available evidence, this variant is classified as Likely Pathogenic.

Baylor Genetics
Classification: Pathogenic for Fanconi anemia complementation group A. Last evaluated: 2024-03-23. Review status: criteria provided, single submitter. Criteria: ACMG Guidelines, 2015. Collection method: clinical testing. Allele origin: unknown.

Molecular Diagnostics Laboratory, M Health Fairview: University of Minnesota
Classification: Pathogenic for Fanconi anemia complementation group A. Last evaluated: 2017-06-22. Review status: criteria provided, single submitter. Criteria: ACMG Guidelines, 2015. Collection method: clinical testing. Allele origin: germline. Affected: yes. Observed: 1 variant allele.

Leiden Open Variation Database
Classification: Pathogenic for Fanconi anemia complementation group A. Last evaluated: 2020-02-28. Review status: no assertion criteria provided. Collection method: curation. Allele origin: germline. Affected: yes. Not counted in ClinVar's aggregate classification.
Comment: Curator: Arleen D. Auerbach. Submitter to LOVD: Arleen D. Auerbach.

Counsyl
Classification: Likely pathogenic for Fanconi anemia complementation group A. Last evaluated: 2018-01-26. Review status: no assertion criteria provided. Collection method: clinical testing. Allele origin: unknown. Not counted in ClinVar's aggregate classification.

Literature cited by the submitters: PubMed 19367192 (cited by Labcorp Genetics (formerly Invitae), Labcorp); PubMed 15643609 (cited by 3 submitters); PubMed 16084127 (cited by Labcorp Genetics (formerly Invitae), Labcorp and Counsyl).